The following is an entry in ClinVar:

ClinVar aggregate classification (germline): Uncertain significance (1 of 4 stars; one submission).

Conditions:
Cardiovascular phenotype. Identifiers: MedGen CN230736.

Submission:

Ambry Genetics
Classification: Uncertain significance for Cardiovascular phenotype. Last evaluated: 2021-08-11. Review status: criteria provided, single submitter. Criteria: Ambry Variant Classification Scheme 2023. Collection method: clinical testing. Allele origin: germline.
Comment: The p.Q1266E variant (also known as c.3796C>G), located in coding exon 23 of the DSP gene, results from a C to G substitution at nucleotide position 3796. The glutamine at codon 1266 is replaced by glutamic acid, an amino acid with highly similar properties. This amino acid position is conserved. In addition, the in silico prediction for this alteration is inconclusive. Since supporting evidence is limited at this time, the clinical significance of this alteration remains unclear.

NM_004415.4(DSP):c.3796C>G (p.Gln1266Glu)

Gene: DSP (desmoplakin; plus strand). Cytogenetic location: 6p24.3.
Variant type: single nucleotide variant.
Coding change: c.3796C>G on transcript NM_004415.4 (MANE Select); coding-DNA position 3796, C replaced by G.
Protein change: p.Gln1266Glu; replaces glutamine 1266 with glutamic acid.
Molecular consequence: missense variant. On other transcripts: intron variant (1).
Genome position (GRCh38, 1-based): chr6:7,579,986, C>G. VCF-style: chr6-7579986-C-G. GRCh37 (hg19) VCF-style: chr6-7580219-C-G.
Other names: c.3796C>G, p.Gln1266Glu (NM_001319034.2); c.3582+214C>G (NM_001008844.3); short protein forms Q1266E.
Identifiers: ClinVar variation 1734983 (VCV001734983.2), dbSNP rs1581816321, ClinGen allele CA362684876.